The following is an entry in ClinVar:

ClinVar aggregate classification (germline): Uncertain significance. Review status: criteria provided, multiple submitters, no conflicts (2 of 4 stars). 2 submissions from 2 submitters: Uncertain significance (2). Last evaluated 2022-07-26.

Conditions:
Inborn genetic diseases. Identifiers: MedGen C0950123, MeSH D030342.

Allele frequency attached by ClinVar (database versions not stated): gnomAD 0.00001; TOPMed 0.00001.
gnomAD v4.1: 2 of 1,613,172 alleles (0.00012%); highest among the groups gnomAD compares: Non-Finnish European, 0.00017%; no homozygotes.

Submissions (2):

Ambry Genetics
Classification: Uncertain significance for Inborn genetic diseases. Last evaluated: 2022-07-26. Review status: criteria provided, single submitter. Criteria: Ambry Variant Classification Scheme 2023. Collection method: clinical testing. Allele origin: germline.

Labcorp Genetics (formerly Invitae), Labcorp
Classification: Uncertain significance. Last evaluated: 2022-01-18. Review status: criteria provided, single submitter. Criteria: Invitae Variant Classification Sherloc (09022015). Collection method: clinical testing. Allele origin: germline.
Comment: This sequence change replaces threonine, which is neutral and polar, with lysine, which is basic and polar, at codon 235 of the MTTP protein (p.Thr235Lys). The frequency data for this variant in the population databases is considered unreliable, as metrics indicate poor data quality at this position in the gnomAD database. This variant has not been reported in the literature in individuals affected with MTTP-related conditions. Algorithms developed to predict the effect of missense changes on protein structure and function (SIFT, PolyPhen-2, Align-GVGD) all suggest that this variant is likely to be tolerated. In summary, the available evidence is currently insufficient to determine the role of this variant in disease. Therefore, it has been classified as a Variant of Uncertain Significance.

NM_001386140.1(MTTP):c.704C>A (p.Thr235Lys)

Gene: MTTP (microsomal triglyceride transfer protein; plus strand). Cytogenetic location: 4q23.
Variant type: single nucleotide variant.
Coding change: c.704C>A on transcript NM_001386140.1 (MANE Select); coding-DNA position 704, C replaced by A.
Protein change: p.Thr235Lys; replaces threonine 235 with lysine.
Molecular consequence: missense variant.
Genome position (GRCh38, 1-based): chr4:99,591,736, C>A. VCF-style: chr4-99591736-C-A. GRCh37 (hg19) VCF-style: chr4-100512893-C-A.
Other names: c.704C>A, p.Thr235Lys (NM_000253.4); c.455C>A, p.Thr152Lys (NM_001300785.2); c.704C>A (NM_000253.2); short protein forms T152K, T235K.
Identifiers: ClinVar variation 2142300 (VCV002142300.2), dbSNP rs773080754, ClinGen allele CA357505320.